The following is an entry in ClinVar:

ClinVar aggregate classification (germline): Uncertain significance (1 of 4 stars; one submission).

Conditions:
Spastic paraplegia. Identifiers: MedGen C0037772, HP:0001258.

Submission:

Labcorp Genetics (formerly Invitae), Labcorp
Classification: Uncertain significance for Spastic paraplegia. Last evaluated: 2025-07-28. Review status: criteria provided, single submitter. Criteria: Invitae Variant Classification Sherloc (09022015). Collection method: clinical testing. Allele origin: germline.
Comment: This sequence change replaces leucine, which is neutral and non-polar, with arginine, which is basic and polar, at codon 19 of the CYP7B1 protein (p.Leu19Arg). This variant is not present in population databases (gnomAD no frequency). This variant has not been reported in the literature in individuals affected with CYP7B1-related conditions. ClinVar contains an entry for this variant (Variation ID: 1382211). Invitae Evidence Modeling of protein sequence and biophysical properties (such as structural, functional, and spatial information, amino acid conservation, physicochemical variation, residue mobility, and thermodynamic stability) has been performed for this missense variant. However, the output from this modeling did not meet the statistical confidence thresholds required to predict the impact of this variant on CYP7B1 protein function. In summary, the available evidence is currently insufficient to determine the role of this variant in disease. Therefore, it has been classified as a Variant of Uncertain Significance.

NM_004820.5(CYP7B1):c.56T>G (p.Leu19Arg)

Gene: CYP7B1 (cytochrome P450 family 7 subfamily B member 1; minus strand). Cytogenetic location: 8q12.3.
Variant type: single nucleotide variant.
Coding change: c.56T>G on transcript NM_004820.5 (MANE Select); coding-DNA position 56, T replaced by G.
Protein change: p.Leu19Arg; replaces leucine 19 with arginine.
Molecular consequence: missense variant.
Genome position (GRCh38, 1-based): chr8:64,798,532, A>C on the plus strand (T>G on the coding strand, the complement: CYP7B1 is on the minus strand). VCF-style: chr8-64798532-A-C. GRCh37 (hg19) VCF-style: chr8-65711089-A-C.
Other names: c.56T>G, p.Leu19Arg (NM_001324112.2); short protein forms L19R.
Identifiers: ClinVar variation 1382211 (VCV001382211.6), dbSNP rs72554624, ClinGen allele CA371408245.
Genomic context (GRCh38, chr8:64,798,532, plus strand): 5'-CGCCGGACAAGCAAGCAGAGGGCCAGGAGCAGCAGGGCCGCGGCGAGGGCCAGGCCCGGG[A>C]GGCCCAACCGCTCCAGCGAAAAGCGGCCCGTGGCCGCGGACACTTCTCCTGCCATCCGGC-3'
Protein context (NP_004811.1, residues 9-29): TGRFSLERLG[Leu19Arg]PGLALAAALL